The following is an entry in ClinVar:

NM_014000.3(VCL):c.1348A>C (p.Arg450=)

Gene: VCL (vinculin; plus strand). Cytogenetic location: 10q22.2.
Variant type: single nucleotide variant.
Coding change: c.1348A>C on transcript NM_014000.3 (MANE Select); coding-DNA position 1348, A replaced by C.
Protein change: p.Arg450=; no amino-acid change (arginine 450 retained).
Molecular consequence: synonymous variant.
Genome position (GRCh38, 1-based): chr10:74,090,194, A>C. VCF-style: chr10-74090194-A-C. GRCh37 (hg19) VCF-style: chr10-75849952-A-C.
Other names: p.Arg450=; c.1348A>C, p.Arg450= (NM_003373.4).
Identifiers: ClinVar variation 178281 (VCV000178281.23), dbSNP rs142128712, ClinGen allele CA182028.
Genomic context (GRCh38, chr10:74,090,194, plus strand): 5'-GACATTCTACGTTCCCTTGGGGAAATATCTGCTCTGACTTCTAAATTAGCAGATCTACGA[A>C]GACAGTATGTATTTAACCCTTACATTGCCTTTTCATATCTTTTCTTCTCTTTCTCTCTCC-3'
Protein context (NP_054706.1, residues 440-460): ALTSKLADLR[Arg450=]QGKGDSPEAR

ClinVar aggregate classification (germline): Benign/Likely benign. Review status: criteria provided, multiple submitters, no conflicts (2 of 4 stars). 8 submissions from 8 submitters: Benign (4); Likely benign (4). Last evaluated 2026-02-01.

Conditions:
Cardiovascular phenotype. Identifiers: MedGen CN230736.
Hypertrophic cardiomyopathy 15. Identifiers: MedGen C2750459, MONDO:0013200, OMIM 613255.
Dilated cardiomyopathy 1W (CMD1W). Identifiers: Orphanet 154, MedGen C1969639, MONDO:0012667, OMIM 611407.

Allele frequency attached by ClinVar (database versions not stated): gnomAD exomes 0.00006 and 0.00016; ExAC 0.00018; ESP Exome Variant Server 0.00062; gnomAD 0.00068 and 0.00075; TOPMed 0.00073; 1000 Genomes Project 30x 0.00078; 1000 Genomes Project 0.00080.
gnomAD v4.1: 191 of 1,614,128 alleles (0.012%); highest among the groups gnomAD compares: African/African-American, 0.23%; 1 homozygote.

Submissions (8):

Labcorp Genetics (formerly Invitae), Labcorp
Classification: Benign for Dilated cardiomyopathy 1W. Last evaluated: 2026-02-01. Review status: criteria provided, single submitter. Criteria: Invitae Variant Classification Sherloc (09022015). Collection method: clinical testing. Allele origin: germline.

Mayo Clinic Laboratories, Mayo Clinic
Classification: Benign. Last evaluated: 2024-12-05. Review status: criteria provided, single submitter. Criteria: ACMG Guidelines, 2015. Collection method: clinical testing. Allele origin: germline. Observed: 3 variant alleles.
Comment: BS1, BS2, BP4, BP7

Women's Health and Genetics/Laboratory Corporation of America, LabCorp
Classification: Benign. Last evaluated: 2023-08-19. Review status: criteria provided, single submitter. Criteria: LabCorp Variant Classification Summary - May 2015. Collection method: clinical testing. Allele origin: germline.

Blueprint Genetics
Classification: Likely benign. Last evaluated: 2023-04-26. Review status: criteria provided, single submitter. Criteria: ACMG Guidelines, 2015. Collection method: clinical testing. Allele origin: germline.

Fulgent Genetics
Classification: Likely benign for Dilated cardiomyopathy 1W; Hypertrophic cardiomyopathy 15. Last evaluated: 2021-09-24. Review status: criteria provided, single submitter. Criteria: ACMG Guidelines, 2015. Collection method: clinical testing. Allele origin: unknown.

Ambry Genetics
Classification: Likely benign for Cardiovascular phenotype. Last evaluated: 2017-08-10. Review status: criteria provided, single submitter. Criteria: Ambry Variant Classification Scheme 2023. Collection method: clinical testing. Allele origin: germline.

GeneDx
Classification: Benign. Last evaluated: 2015-03-03. Review status: criteria provided, single submitter. Criteria: GeneDx Variant Classification Process June 2021. Collection method: clinical testing. Allele origin: germline. Affected: yes.

Laboratory for Molecular Medicine, Mass General Brigham Personalized Medicine
Classification: Likely benign. Last evaluated: 2012-03-19. Review status: criteria provided, single submitter. Criteria: LMM Criteria. Collection method: clinical testing. Allele origin: germline. Observed: 2 variant alleles.
Comment: Arg450Arg in exon 10 of VCL: This variant is not expected to have clinical signi ficance because it does not alter an amino acid residue and is not located withi n the splice consensus sequence. It has been identified in 0.2% (6/3738) of Afri can American chromosomes from a broad population by the NHLBI Exome Sequencing P roject (dbSNP rs142128712). Arg450Arg in exon 10 of VCL (rs142128712; allele frequency = 0.2%, 6/3738) **